The following is an entry in ClinVar:

NM_022114.4(PRDM16):c.3439C>G (p.Pro1147Ala)

Gene: PRDM16 (PR/SET domain 16; plus strand). Cytogenetic location: 1p36.32.
Variant type: single nucleotide variant.
Coding change: c.3439C>G on transcript NM_022114.4 (MANE Select); coding-DNA position 3439, C replaced by G.
Protein change: p.Pro1147Ala; replaces proline 1147 with alanine.
Molecular consequence: missense variant.
Genome position (GRCh38, 1-based): chr1:3,431,026, C>G. VCF-style: chr1-3431026-C-G. GRCh37 (hg19) VCF-style: chr1-3347590-C-G.
Other names: c.3439C>G, p.Pro1147Ala (NM_199454.3); short protein forms P1147A.
Identifiers: ClinVar variation 4716701 (VCV004716701.1).

ClinVar aggregate classification (germline): Uncertain significance (1 of 4 stars; one submission).

Conditions:
Left ventricular noncompaction 8 (LVNC8). Identifiers: Orphanet 154, Orphanet 54260, MedGen C3809288, MONDO:0014152, OMIM 615373.

gnomAD v4.1: 1 of 1,571,764 alleles (0.000064%); no homozygotes.

Submission:

Labcorp Genetics (formerly Invitae), Labcorp
Classification: Uncertain significance for Left ventricular noncompaction 8. Last evaluated: 2025-12-24. Review status: criteria provided, single submitter. Criteria: Invitae Variant Classification Sherloc (09022015). Collection method: clinical testing. Allele origin: germline.
Comment: This sequence change replaces proline, which is neutral and non-polar, with alanine, which is neutral and non-polar, at codon 1147 of the PRDM16 protein (p.Pro1147Ala). This variant is not present in population databases (gnomAD no frequency). This variant has not been reported in the literature in individuals affected with PRDM16-related conditions. An algorithm developed to predict the effect of missense changes on protein structure and function (PolyPhen-2) suggests that this variant is likely to be tolerated. In summary, the available evidence is currently insufficient to determine the role of this variant in disease. Therefore, it has been classified as a Variant of Uncertain Significance.